The following is an entry in ClinVar:

ClinVar aggregate classification (germline): Benign (1 of 4 stars; one submission).

Conditions:
Melanoma-pancreatic cancer syndrome. Identifiers: Orphanet 404560, MedGen C1838547, MONDO:0011713, OMIM 606719. Disease mechanism: loss of function.

Submission:

Myriad Genetics, Inc.
Classification: Benign for Melanoma-pancreatic cancer syndrome. Last evaluated: 2025-08-12. Review status: criteria provided, single submitter. Criteria: Myriad Autosomal Dominant, Autosomal Recessive and X-Linked Classification Criteria (2023). Collection method: clinical testing. Allele origin: unknown.
Comment: This variant is considered benign. This variant is a silent/synonymous amino acid change and it is not expected to impact splicing.

NM_058195.4(CDKN2A):c.24C>A (p.Thr8=)

Gene: CDKN2A (cyclin dependent kinase inhibitor 2A; minus strand). Cytogenetic location: 9p21.3.
Variant type: single nucleotide variant.
Coding change: c.24C>A on transcript NM_058195.4 (MANE Plus Clinical); coding-DNA position 24, C replaced by A.
Protein change: p.Thr8=; no amino-acid change (threonine 8 retained).
Molecular consequence: synonymous variant. On other transcripts: intron variant (1).
Genome position (GRCh38, 1-based): chr9:21,994,308, G>T on the plus strand (C>A on the coding strand, the complement: CDKN2A is on the minus strand). VCF-style: chr9-21994308-G-T. GRCh37 (hg19) VCF-style: chr9-21994307-G-T.
Other names: c.-4+513C>A (NM_001363763.2).
Identifiers: ClinVar variation 4294106 (VCV004294106.1).